The following is an entry in ClinVar:

NM_001170700.3(DTHD1):c.1598G>A (p.Arg533Lys)

Gene: DTHD1 (death domain containing 1; plus strand). Cytogenetic location: 4p14.
Variant type: single nucleotide variant.
Coding change: c.1598G>A on transcript NM_001170700.3 (MANE Select); coding-DNA position 1598, G replaced by A.
Protein change: p.Arg533Lys; replaces arginine 533 with lysine.
Molecular consequence: missense variant. On other transcripts: non-coding transcript variant (2).
Genome position (GRCh38, 1-based): chr4:36,294,994, G>A. VCF-style: chr4-36294994-G-A. GRCh37 (hg19) VCF-style: chr4-36296616-G-A.
Other names: c.728G>A, p.Arg243Lys (NM_001136536.5); c.665G>A, p.Arg222Lys (NM_001378435.1); short protein forms R243K, R222K, R533K.
Identifiers: ClinVar variation 2149181 (VCV002149181.4), dbSNP rs754339190, ClinGen allele CA2885651.

ClinVar aggregate classification (germline): Uncertain significance (1 of 4 stars; one submission).

Allele frequency attached by ClinVar (database versions not stated): gnomAD exomes 0.00001; ExAC 0.00004.
gnomAD v4.1: 8 of 1,550,800 alleles (0.00052%); highest among the groups gnomAD compares: Admixed American, 0.0079%; no homozygotes.

Submission:

Labcorp Genetics (formerly Invitae), Labcorp
Classification: Uncertain significance. Last evaluated: 2024-11-05. Review status: criteria provided, single submitter. Criteria: Invitae Variant Classification Sherloc (09022015). Collection method: clinical testing. Allele origin: germline.
Comment: This sequence change replaces arginine, which is basic and polar, with lysine, which is basic and polar, at codon 243 of the DTHD1 protein (p.Arg243Lys). This variant is present in population databases (rs754339190, gnomAD 0.008%). This variant has not been reported in the literature in individuals affected with DTHD1-related conditions. ClinVar contains an entry for this variant (Variation ID: 2149181). An algorithm developed to predict the effect of missense changes on protein structure and function (PolyPhen-2) suggests that this variant is likely to be tolerated. In summary, the available evidence is currently insufficient to determine the role of this variant in disease. Therefore, it has been classified as a Variant of Uncertain Significance.